The following is an entry in ClinVar:

NR_190993.1(MEG3):n.1213T>C

Gene: MEG3 (maternally expressed 3; plus strand). Cytogenetic location: 14q32.2.
Variant type: single nucleotide variant.
Molecular consequence: non-coding transcript variant (on NR_190993.1). On other transcripts: intron variant (1).
Genome position: GRCh38 VCF-style: chr14-100834675-T-C. GRCh37 (hg19) VCF-style: chr14-101301012-T-C.
Identifiers: ClinVar variation 4978325 (VCV004978325.1).

ClinVar aggregate classification (germline): Benign (1 of 4 stars; one submission).

Conditions:
MEG3-related disorder. Also called: MEG3-related condition.

gnomAD v4.1: 113,817 of 456,100 alleles (25%); highest among the groups gnomAD compares: Admixed American, 36%; 15,196 homozygotes.

Submission:

PreventionGenetics, part of Exact Sciences
Classification: Benign for MEG3-related condition. Last evaluated: 2025-07-31. Review status: criteria provided, single submitter. Criteria: ACMG Guidelines, 2015. Collection method: clinical testing. Allele origin: germline.
Comment: This variant is classified as benign based on ACMG/AMP sequence variant interpretation guidelines (Richards et al. 2015 PMID: 25741868, with internal and published modifications).